The following is an entry in ClinVar:

ClinVar aggregate classification (germline): Likely pathogenic (1 of 4 stars; one submission).

Submission:

Labcorp Genetics (formerly Invitae), Labcorp
Classification: Likely pathogenic. Last evaluated: 2022-12-22. Review status: criteria provided, single submitter. Criteria: Invitae Variant Classification Sherloc (09022015). Collection method: clinical testing. Allele origin: germline.
Comment: In summary, the currently available evidence indicates that the variant is pathogenic, but additional data are needed to prove that conclusively. Therefore, this variant has been classified as Likely Pathogenic. Advanced modeling of protein sequence and biophysical properties (such as structural, functional, and spatial information, amino acid conservation, physicochemical variation, residue mobility, and thermodynamic stability) performed at Invitae indicates that this missense variant is expected to disrupt ALDH3A2 protein function. This missense change has been observed in individual(s) with congenital ichthyosis (Invitae). This variant is not present in population databases (gnomAD no frequency). This sequence change replaces tyrosine, which is neutral and polar, with cysteine, which is neutral and slightly polar, at codon 269 of the ALDH3A2 protein (p.Tyr269Cys).

NM_000382.3(ALDH3A2):c.806A>G (p.Tyr269Cys)

Gene: ALDH3A2 (aldehyde dehydrogenase 3 family member A2; plus strand). Cytogenetic location: 17p11.2.
Variant type: single nucleotide variant.
Coding change: c.806A>G on transcript NM_000382.3 (MANE Select); coding-DNA position 806, A replaced by G.
Protein change: p.Tyr269Cys; replaces tyrosine 269 with cysteine.
Molecular consequence: missense variant.
Genome position (GRCh38, 1-based): chr17:19,661,134, A>G. VCF-style: chr17-19661134-A-G. GRCh37 (hg19) VCF-style: chr17-19564447-A-G.
Other names: c.806A>G, p.Tyr269Cys (NM_001031806.2, NM_001369136.1, NM_001369137.2 and 3 more transcripts); c.227A>G, p.Tyr76Cys (NM_001369148.2); short protein forms Y76C, Y269C.
Identifiers: ClinVar variation 2823348 (VCV002823348.3), dbSNP rs201985073, ClinGen allele CA398708987.
Genomic context (GRCh38, chr17:19,661,134, plus strand): 5'-AAATTGAATTGTGGGTCTTTGTGACATTTATATACTCCTGTTGTTTTAAATAGGAATTTT[A>G]TGGAGAAAATATAAAAGAGTCTCCTGATTATGAAAGGATCATCAATCTTCGTCATTTTAA-3'
Protein context (NP_000373.1, residues 259-279): WKIKETVKEF[Tyr269Cys]GENIKESPDY